The following is an entry in ClinVar:

ClinVar aggregate classification (germline): Uncertain significance. Review status: criteria provided, multiple submitters, no conflicts (2 of 4 stars). 2 submissions from 2 submitters: Uncertain significance (2). Last evaluated 2016-07-18.

Allele frequency attached by ClinVar (database versions not stated): TOPMed below 0.00001.

Submissions (2):

Eurofins Ntd Llc (ga)
Classification: Uncertain significance. Last evaluated: 2016-07-18. Review status: criteria provided, single submitter. Criteria: EGL Classification Definitions 2015. Collection method: clinical testing. Allele origin: germline. Observed: 1 variant allele, 1 heterozygote.

Laboratory for Molecular Medicine, Mass General Brigham Personalized Medicine
Classification: Uncertain significance. Last evaluated: 2014-03-19. Review status: criteria provided, single submitter. Criteria: LMM Criteria. Collection method: clinical testing. Allele origin: germline. Observed: 1 variant allele.
Comment: Variant classified as Uncertain Significance - Favor Benign. The Thr28785Ser var iant in TTN has not been previously reported in individuals with cardiomyopathy or in large population studies. The affected amino acid is not well conserved in evolution and multiple fish species have a serine (Ser) at this position, sugge sting that this change may be tolerated. Other computational analyses do not pro vide strong support for or against an impact to the protein. The lack of evoluti onary conservation argues against a role in disease but additional information i s needed to fully assess the clinical significance of this variant.

NM_001267550.2(TTN):c.94057A>T (p.Thr31353Ser)

Genes: TTN (titin; minus strand), TTN-AS1 (TTN antisense RNA 1; plus strand). Cytogenetic location: 2q31.2.
Variant type: single nucleotide variant.
Coding change: c.94057A>T on transcript NM_001267550.2 (MANE Select); coding-DNA position 94057, A replaced by T.
Protein change: p.Thr31353Ser; replaces threonine 31353 with serine.
Molecular consequence: missense variant.
Genome position (GRCh38, 1-based): chr2:178,547,569, T>A on the plus strand (A>T on the coding strand, the complement: TTN is on the minus strand). VCF-style: chr2-178547569-T-A. GRCh37 (hg19) VCF-style: chr2-179412296-T-A.
Other names: c.86353A>T, p.Thr28785Ser (NM_133378.4); c.89134A>T, p.Thr29712Ser (NM_001256850.1); c.66862A>T, p.Thr22288Ser (NM_003319.4); c.67237A>T, p.Thr22413Ser (NM_133432.3); c.67438A>T, p.Thr22480Ser (NM_133437.4); short protein forms T28785S, T31353S, T29712S, T22288S, T22480S, T22413S.
Identifiers: ClinVar variation 165721 (VCV000165721.9), dbSNP rs727503548, ClinGen allele CA178430.